The following is an entry in ClinVar:

NM_016616.5(NME8):c.1682T>C (p.Leu561Ser)

Gene: NME8 (NME/NM23 family member 8; plus strand). Cytogenetic location: 7p14.1.
Variant type: single nucleotide variant.
Coding change: c.1682T>C on transcript NM_016616.5 (MANE Select); coding-DNA position 1682, T replaced by C.
Protein change: p.Leu561Ser; replaces leucine 561 with serine.
Molecular consequence: missense variant.
Genome position (GRCh38, 1-based): chr7:37,897,007, T>C. VCF-style: chr7-37897007-T-C. GRCh37 (hg19) VCF-style: chr7-37936609-T-C.
Other names: short protein forms L561S.
Identifiers: ClinVar variation 3614360 (VCV003614360.2).
Genomic context (GRCh38, chr7:37,897,007, plus strand): 5'-CAGAAGAAGCAAAATTACTTTCCCCTGACTCCATCCGAGCCCAGTTTGGAATAAGTAAAT[T>C]GAAAAACATTGTCCATGGAGCATCTAACGCCTATGAAGCAAAAGAGGTTGTTAATAGACT-3'
Protein context (NP_057700.3, residues 551-571): SIRAQFGISK[Leu561Ser]KNIVHGASNA

ClinVar aggregate classification (germline): Uncertain significance (1 of 4 stars; one submission).

Conditions:
Primary ciliary dyskinesia 6. Also called: Primary Ciliary Dyskinesia 6: TXNDC3-Related Primary Ciliary Dyskinesia. Identifiers: Orphanet 244, MedGen C1970506, MONDO:0012571, OMIM 610852.

Submission:

Labcorp Genetics (formerly Invitae), Labcorp
Classification: Uncertain significance for Primary ciliary dyskinesia 6. Last evaluated: 2024-12-31. Review status: criteria provided, single submitter. Criteria: Invitae Variant Classification Sherloc (09022015). Collection method: clinical testing. Allele origin: germline.
Comment: This sequence change replaces leucine, which is neutral and non-polar, with serine, which is neutral and polar, at codon 561 of the NME8 protein (p.Leu561Ser). This variant is present in population databases (no rsID available, gnomAD 0.007%). This variant has not been reported in the literature in individuals affected with NME8-related conditions. Invitae Evidence Modeling of protein sequence and biophysical properties (such as structural, functional, and spatial information, amino acid conservation, physicochemical variation, residue mobility, and thermodynamic stability) has been performed for this missense variant. However, the output from this modeling did not meet the statistical confidence thresholds required to predict the impact of this variant on NME8 protein function. In summary, the available evidence is currently insufficient to determine the role of this variant in disease. Therefore, it has been classified as a Variant of Uncertain Significance.